The following is an entry in ClinVar:

NM_000875.5(IGF1R):c.3580G>C (p.Asp1194His)

Gene: IGF1R (insulin like growth factor 1 receptor; plus strand). Cytogenetic location: 15q26.3.
Variant type: single nucleotide variant.
Coding change: c.3580G>C on transcript NM_000875.5 (MANE Select); coding-DNA position 3580, G replaced by C.
Protein change: p.Asp1194His; replaces aspartic acid 1194 with histidine.
Molecular consequence: missense variant.
Genome position (GRCh38, 1-based): chr15:98,943,045, G>C. VCF-style: chr15-98943045-G-C. GRCh37 (hg19) VCF-style: chr15-99486274-G-C.
Other names: c.3577G>C, p.Asp1193His (NM_001291858.2); short protein forms D1193H, D1194H.
Identifiers: ClinVar variation 3898652 (VCV003898652.7).

ClinVar aggregate classification (germline): Uncertain significance (1 of 4 stars; one submission).

Submission:

CeGaT Center for Human Genetics Tuebingen
Classification: Uncertain significance. Last evaluated: 2025-04-01. Review status: criteria provided, single submitter. Criteria: CeGaT Center For Human Genetics Tuebingen Variant Classification Criteria Version 2. Collection method: clinical testing. Allele origin: germline. Affected: yes. Observed: 1 variant allele.
Comment: IGF1R: PM2, PP3